The following is an entry in ClinVar:

NM_002941.4(ROBO1):c.2542T>C (p.Tyr848His)

Gene: ROBO1 (roundabout guidance receptor 1; minus strand). Cytogenetic location: 3p12.3.
Variant type: single nucleotide variant.
Coding change: c.2542T>C on transcript NM_002941.4 (MANE Select); coding-DNA position 2542, T replaced by C.
Protein change: p.Tyr848His; replaces tyrosine 848 with histidine.
Molecular consequence: missense variant.
Genome position (GRCh38, 1-based): chr3:78,657,170, A>G on the plus strand (T>C on the coding strand, the complement: ROBO1 is on the minus strand). VCF-style: chr3-78657170-A-G. GRCh37 (hg19) VCF-style: chr3-78706320-A-G.
Other names: c.2434T>C, p.Tyr812His (NM_001145844.1, NM_001145845.2, NM_133631.4); c.2542T>C (NM_002941.3); short protein forms Y812H, Y848H.
Identifiers: ClinVar variation 1715369 (VCV001715369.6), dbSNP rs1216730559, ClinGen allele CA353660644.
Genomic context (GRCh38, chr3:78,657,170, plus strand): 5'-ACTGAGGCTCACTCTTTACCCCAGACCCAGCCCCAGTGCTGGCTGCCACTTCCACACTGT[A>G]TCGGATTCCAGGAACAAGAAAGGGAATGACCACGGAAAAGGTGGAACCATCCACTGTTTT-3'
Protein context (NP_002932.1, residues 838-858): VIPFLVPGIR[Tyr848His]SVEVAASTGA

ClinVar aggregate classification (germline): Uncertain significance. Review status: criteria provided, multiple submitters, no conflicts (2 of 4 stars). 2 submissions from 2 submitters: Uncertain significance (2). Last evaluated 2026-02-12.

Submissions (2):

GeneDx
Classification: Uncertain significance. Last evaluated: 2026-02-12. Review status: criteria provided, single submitter. Criteria: GeneDx Variant Classification Process June 2021. Collection method: clinical testing. Allele origin: germline. Affected: yes.
Comment: Not observed at significant frequency in large population cohorts (gnomAD); In silico analysis supports that this missense variant has a deleterious effect on protein structure/function; Has not been previously published as pathogenic or benign to our knowledge

Labcorp Genetics (formerly Invitae), Labcorp
Classification: Uncertain significance. Last evaluated: 2022-08-06. Review status: criteria provided, single submitter. Criteria: Invitae Variant Classification Sherloc (09022015). Collection method: clinical testing. Allele origin: germline.
Comment: In summary, the available evidence is currently insufficient to determine the role of this variant in disease. Therefore, it has been classified as a Variant of Uncertain Significance. Advanced modeling of protein sequence and biophysical properties (such as structural, functional, and spatial information, amino acid conservation, physicochemical variation, residue mobility, and thermodynamic stability) performed at Invitae indicates that this missense variant is expected to disrupt ROBO1 protein function. This variant has not been reported in the literature in individuals affected with ROBO1-related conditions. This variant is not present in population databases (gnomAD no frequency). This sequence change replaces tyrosine, which is neutral and polar, with histidine, which is basic and polar, at codon 848 of the ROBO1 protein (p.Tyr848His).